The following is an entry in ClinVar:

NM_015331.3(NCSTN):c.734-18T>C

Gene: NCSTN (nicastrin; plus strand). Cytogenetic location: 1q23.2.
Variant type: single nucleotide variant.
Coding change: c.734-18T>C on transcript NM_015331.3 (MANE Select); 18 bases into the intron before coding-DNA position 734, T replaced by C.
Molecular consequence: intron variant.
Genome position (GRCh38, 1-based): chr1:160,351,678, T>C. VCF-style: chr1-160351678-T-C. GRCh37 (hg19) VCF-style: chr1-160321468-T-C.
Other names: c.674-18T>C (NM_001290184.2); c.734-18T>C (NM_001349729.2); c.583-1209T>C (NM_001290186.2).
Identifiers: ClinVar variation 2003953 (VCV002003953.4), dbSNP rs2525529650, ClinGen allele CA2580061277.

ClinVar aggregate classification (germline): Uncertain significance (1 of 4 stars; one submission).

Allele frequency attached by ClinVar (database versions not stated): gnomAD exomes below 0.00001.
gnomAD v4.1: 1 of 1,555,900 alleles (0.000064%); highest among the groups gnomAD compares: South Asian, 0.0011%; no homozygotes.

Submission:

Labcorp Genetics (formerly Invitae), Labcorp
Classification: Uncertain significance. Last evaluated: 2022-09-27. Review status: criteria provided, single submitter. Criteria: Invitae Variant Classification Sherloc (09022015). Collection method: clinical testing. Allele origin: germline.
Comment: In summary, the available evidence is currently insufficient to determine the role of this variant in disease. Therefore, it has been classified as a Variant of Uncertain Significance. Algorithms developed to predict the effect of sequence changes on RNA splicing suggest that this variant may create or strengthen a splice site. This variant has not been reported in the literature in individuals affected with NCSTN-related conditions. This variant is not present in population databases (gnomAD no frequency). This sequence change falls in intron 6 of the NCSTN gene. It does not directly change the encoded amino acid sequence of the NCSTN protein.